The following is an entry in ClinVar:

NM_002076.4(GNS):c.1251A>G (p.Gln417=)

Gene: GNS (glucosamine (N-acetyl)-6-sulfatase; minus strand). Cytogenetic location: 12q14.3.
Variant type: single nucleotide variant.
Coding change: c.1251A>G on transcript NM_002076.4 (MANE Select); coding-DNA position 1251, A replaced by G.
Protein change: p.Gln417=; no amino-acid change (glutamine 417 retained).
Molecular consequence: synonymous variant.
Genome position (GRCh38, 1-based): chr12:64,723,063, T>C on the plus strand (A>G on the coding strand, the complement: GNS is on the minus strand). VCF-style: chr12-64723063-T-C. GRCh37 (hg19) VCF-style: chr12-65116843-T-C.
Identifiers: ClinVar variation 1379593 (VCV001379593.3), dbSNP rs1324161117, ClinGen allele CA480558002.

ClinVar aggregate classification (germline): Uncertain significance (1 of 4 stars; one submission).

Conditions:
Mucopolysaccharidosis, MPS-III-D (MPS3D). Also called: Mucopoly-saccharidosis type 3D; N-acetylglucosamine-6-sulfate sulfatase deficiency; MPS 3D; MPS IIID (Sanfilippo Syndrome Type D); MUCOPOLYSACCHARIDOSIS, TYPE IIID; N-ACETYLGLUCOSAMINE-6-SULFATASE DEFICIENCY. Identifiers: Orphanet 581, Orphanet 79272, MedGen C0086650, MONDO:0009658, OMIM 252940.

Allele frequency attached by ClinVar (database versions not stated): gnomAD 0.00001; TOPMed 0.00002; gnomAD exomes below 0.00001.
gnomAD v4.1: 5 of 1,613,286 alleles (0.00031%); highest among the groups gnomAD compares: African/African-American, 0.0067%; no homozygotes.

Submission:

Labcorp Genetics (formerly Invitae), Labcorp
Classification: Uncertain significance for Mucopolysaccharidosis, MPS-III-D. Last evaluated: 2022-03-18. Review status: criteria provided, single submitter. Criteria: Invitae Variant Classification Sherloc (09022015). Collection method: clinical testing. Allele origin: germline.
Comment: This sequence change replaces glutamine, which is neutral and polar, with glutamine, which is neutral and polar, at codon 417 of the GNS protein (Silent). This variant is not present in population databases (gnomAD no frequency). This variant has not been reported in the literature in individuals affected with GNS-related conditions. Algorithms developed to predict the effect of sequence changes on RNA splicing suggest that this variant is not likely to affect RNA splicing. In summary, the available evidence is currently insufficient to determine the role of this variant in disease. Therefore, it has been classified as a Variant of Uncertain Significance.